The following is an entry in ClinVar:

NM_004064.5(CDKN1B):c.-10C>G

Gene: CDKN1B (cyclin dependent kinase inhibitor 1B; plus strand). Cytogenetic location: 12p13.1.
Variant type: single nucleotide variant.
Coding change: c.-10C>G on transcript NM_004064.5 (MANE Select); 10 bases upstream of the start codon, C replaced by G.
Molecular consequence: 5 prime UTR variant.
Genome position (GRCh38, 1-based): chr12:12,717,830, C>G. VCF-style: chr12-12717830-C-G. GRCh37 (hg19) VCF-style: chr12-12870764-C-G.
Identifiers: ClinVar variation 3032791 (VCV003032791.2), dbSNP rs374913823, ClinGen allele CA2740092333.

ClinVar aggregate classification (germline): Likely benign (0 of 4 stars; one submission).

Conditions:
CDKN1B-related disorder. Also called: CDKN1B-related condition.

Submission:

PreventionGenetics, part of Exact Sciences
Classification: Likely benign for CDKN1B-related condition. Last evaluated: 2020-10-07. Review status: no assertion criteria provided. Collection method: clinical testing. Allele origin: germline.
Comment: This variant is classified as likely benign based on ACMG/AMP sequence variant interpretation guidelines (Richards et al. 2015 PMID: 25741868, with internal and published modifications).